The following is an entry in ClinVar:

ClinVar aggregate classification (germline): Likely pathogenic (1 of 4 stars; one submission).

Submission:

Labcorp Genetics (formerly Invitae), Labcorp
Classification: Likely pathogenic. Last evaluated: 2024-03-19. Review status: criteria provided, single submitter. Criteria: Invitae Variant Classification Sherloc (09022015). Collection method: clinical testing. Allele origin: germline.
Comment: This sequence change affects an acceptor splice site in intron 37 of the CACNA1F gene. It is expected to disrupt RNA splicing. Variants that disrupt the donor or acceptor splice site typically lead to a loss of protein function (PMID: 16199547), and loss-of-function variants in CACNA1F are known to be pathogenic (PMID: 9662399, 11281458, 17525176, 22194652, 24124559, 26992781). This variant is not present in population databases (gnomAD no frequency). Disruption of this splice site has been observed in individual(s) with night blindness (PMID: 30825406). ClinVar contains an entry for this variant (Variation ID: 2419203). Algorithms developed to predict the effect of sequence changes on RNA splicing suggest that this variant may disrupt the consensus splice site. In summary, the currently available evidence indicates that the variant is pathogenic, but additional data are needed to prove that conclusively. Therefore, this variant has been classified as Likely Pathogenic.

Literature cited by the submitters: PubMed 16199547; PubMed 9662399; PubMed 11281458; PubMed 17525176; PubMed 22194652; PubMed 24124559; PubMed 26992781; PubMed 30825406.

NM_001256789.3(CACNA1F):c.4389-1G>A

Gene: CACNA1F (calcium voltage-gated channel subunit alpha1 F; minus strand). Cytogenetic location: Xp11.23.
Variant type: single nucleotide variant.
Coding change: c.4389-1G>A on transcript NM_001256789.3 (MANE Select); the canonical splice acceptor site of the intron before coding-DNA position 4389, G replaced by A.
Molecular consequence: splice acceptor variant.
Genome position (GRCh38, 1-based): chrX:49,210,687, C>T on the plus strand (G>A on the coding strand, the complement: CACNA1F is on the minus strand). VCF-style: chrX-49210687-C-T. GRCh37 (hg19) VCF-style: chrX-49067147-C-T.
Other names: c.4422-1G>A (NM_005183.4); c.4227-1G>A (NM_001256790.3).
Identifiers: ClinVar variation 2419203 (VCV002419203.7), dbSNP rs2520775696, ClinGen allele CA412961123.